The following is an entry in ClinVar:

NM_000890.5(KCNJ5):c.810T>G (p.Leu270=)

Gene: KCNJ5 (potassium inwardly rectifying channel subfamily J member 5; plus strand). Cytogenetic location: 11q24.3.
Variant type: single nucleotide variant.
Coding change: c.810T>G on transcript NM_000890.5 (MANE Select); coding-DNA position 810, T replaced by G.
Protein change: p.Leu270=; no amino-acid change (leucine 270 retained).
Molecular consequence: synonymous variant.
Genome position (GRCh38, 1-based): chr11:128,912,083, T>G. VCF-style: chr11-128912083-T-G. GRCh37 (hg19) VCF-style: chr11-128781978-T-G.
Other names: p.L270L:CTT>CTG; p.Leu270=; c.810T>G, p.Leu270= (NM_001354169.2); c.810T>G (LRG_333t1).
Identifiers: ClinVar variation 137991 (VCV000137991.35), dbSNP rs7118824, ClinGen allele CA291752.

ClinVar aggregate classification (germline): Benign. Review status: criteria provided, multiple submitters, no conflicts (2 of 4 stars). 16 submissions from 15 submitters: Benign (12). 4 of the submissions do not count toward it. Last evaluated 2026-02-04.

Conditions:
Cardiovascular phenotype. Identifiers: MedGen CN230736.
Familial hyperaldosteronism type III. Also called: Familial hyperaldosteronism type 3; FH III. Identifiers: Orphanet 251274, MedGen C3838758, MONDO:0013359, OMIM 613677.
Long QT syndrome 13 (LQT13). Identifiers: Orphanet 101016, Orphanet 768, MedGen C3150733, MONDO:0013279, OMIM 613485.
Long QT syndrome (LQTS). Identifiers: MedGen C0023976, MeSH D008133, MONDO:0002442. Disease mechanism: loss of function. Inheritance: Various modes of inheritance.

Allele frequency attached by ClinVar (database versions not stated): gnomAD exomes 0.82218 and 0.83838; ExAC 0.84144; gnomAD 0.84187; ESP Exome Variant Server 0.84272; TOPMed 0.84801; 1000 Genomes Project 30x 0.86571; 1000 Genomes Project 0.86621.
gnomAD v4.1: 1,330,295 of 1,613,502 alleles (82%); highest among the groups gnomAD compares: African/African-American, 90%; 549,350 homozygotes.

Submissions (16):

Labcorp Genetics (formerly Invitae), Labcorp
Classification: Benign for Long QT syndrome. Last evaluated: 2026-02-04. Review status: criteria provided, single submitter. Criteria: Invitae Variant Classification Sherloc (09022015). Collection method: clinical testing. Allele origin: germline.

Blueprint Genetics
Classification: Benign. Last evaluated: 2024-11-27. Review status: criteria provided, single submitter. Criteria: ACMG Guidelines, 2015. Collection method: clinical testing. Allele origin: germline.

Women's Health and Genetics/Laboratory Corporation of America, LabCorp
Classification: Benign. Last evaluated: 2023-04-04. Review status: criteria provided, single submitter. Criteria: LabCorp Variant Classification Summary - May 2015. Collection method: clinical testing. Allele origin: germline.

Mayo Clinic Laboratories, Mayo Clinic
Classification: Benign. Last evaluated: 2022-03-09. Review status: criteria provided, single submitter. Criteria: ACMG Guidelines, 2015. Collection method: clinical testing. Allele origin: germline. Observed: 554 variant alleles.

Fulgent Genetics
Classification: Benign for Long QT syndrome 13; Familial hyperaldosteronism type III. Last evaluated: 2022-03-03. Review status: criteria provided, single submitter. Criteria: ACMG Guidelines, 2015. Collection method: clinical testing. Allele origin: unknown.

Genome-Nilou Lab
Classification: Benign for Familial hyperaldosteronism type III. Last evaluated: 2021-08-19. Review status: criteria provided, single submitter. Criteria: ACMG Guidelines, 2015. Collection method: clinical testing. Allele origin: germline. Affected: no.

Genome-Nilou Lab
Classification: Benign for Long QT syndrome 13. Last evaluated: 2021-08-19. Review status: criteria provided, single submitter. Criteria: ACMG Guidelines, 2015. Collection method: clinical testing. Allele origin: germline. Affected: no.

Illumina Laboratory Services, Illumina
Classification: Benign for Familial hyperaldosteronism type III. Last evaluated: 2018-01-13. Review status: criteria provided, single submitter. Criteria: ICSL Variant Classification Criteria 13 December 2019. Collection method: clinical testing. Allele origin: germline.
Comment: This variant was observed in the ICSL laboratory as part of a predisposition screen in an ostensibly healthy population. It had not been previously curated by ICSL or reported in the Human Gene Mutation Database (HGMD: prior to June 1st, 2018), and was therefore a candidate for classification through an automated scoring system. Utilizing variant allele frequency, disease prevalence and penetrance estimates, and inheritance mode, an automated score was calculated to assess if this variant is too frequent to cause the disease. Based on the score and internal cut-off values, a variant classified as benign is not then subjected to further curation. The score for this variant resulted in a classification of benign for this disease.

Ambry Genetics
Classification: Benign for Cardiovascular phenotype. Last evaluated: 2015-06-12. Review status: criteria provided, single submitter. Criteria: Ambry Variant Classification Scheme 2023. Collection method: clinical testing. Allele origin: germline.

GeneDx
Classification: Benign. Last evaluated: 2013-11-12. Review status: criteria provided, single submitter. Criteria: GeneDx Variant Classification (06012015). Collection method: clinical testing. Allele origin: germline. Affected: yes.
Comment: This variant is considered likely benign or benign based on one or more of the following criteria: it is a conservative change, it occurs at a poorly conserved position in the protein, it is predicted to be benign by multiple in silico algorithms, and/or has population frequency not consistent with disease.

Breakthrough Genomics
Classification: Benign. Review status: criteria provided, single submitter. Criteria: ACMG Guidelines, 2015. Collection method: not provided. Allele origin: germline. Inheritance: Autosomal dominant inheritance. Affected: yes.

PreventionGenetics, part of Exact Sciences
Classification: Benign. Review status: criteria provided, single submitter. Criteria: ACMG Guidelines, 2015. Collection method: clinical testing. Allele origin: germline.

Clinical Genetics, Academic Medical Center
Classification: Benign. Review status: no assertion criteria provided. Collection method: clinical testing. Allele origin: germline. Affected: yes. Study: VKGL Data-share Consensus. Not counted in ClinVar's aggregate classification.

Diagnostic Laboratory, Department of Genetics, University Medical Center Groningen
Classification: Benign. Review status: no assertion criteria provided. Collection method: clinical testing. Allele origin: germline. Affected: yes. Study: VKGL Data-share Consensus. Not counted in ClinVar's aggregate classification.

Genome Diagnostics Laboratory, University Medical Center Utrecht
Classification: Benign. Review status: no assertion criteria provided. Collection method: clinical testing. Allele origin: germline. Affected: yes. Study: VKGL Data-share Consensus. Not counted in ClinVar's aggregate classification.

Joint Genome Diagnostic Labs from Nijmegen and Maastricht, Radboudumc and MUMC+
Classification: Benign. Review status: no assertion criteria provided. Collection method: clinical testing. Allele origin: germline. Affected: yes. Study: VKGL Data-share Consensus. Not counted in ClinVar's aggregate classification.